The following is an entry in ClinVar:

ClinVar aggregate classification (germline): Pathogenic. Review status: criteria provided, multiple submitters, no conflicts (2 of 4 stars). 3 submissions from 3 submitters: Pathogenic (2). 1 of the submissions does not count toward it. Last evaluated 2022-04-29.

Conditions:
Autosomal recessive nonsyndromic hearing loss 2. Also called: DEAFNESS, AUTOSOMAL RECESSIVE 2; NEUROSENSORY NONSYNDROMIC RECESSIVE DEAFNESS 2. Identifiers: Orphanet 90636, MedGen C1838701, MONDO:0010807, OMIM 600060.
Usher syndrome type 1B (USH1B). Also called: Usher syndrome type IB. Identifiers: MedGen C1848638, MONDO:0700087.

Submissions (3):

Labcorp Genetics (formerly Invitae), Labcorp
Classification: Pathogenic. Last evaluated: 2022-04-29. Review status: criteria provided, single submitter. Criteria: Invitae Variant Classification Sherloc (09022015). Collection method: clinical testing. Allele origin: germline.
Comment: For these reasons, this variant has been classified as Pathogenic. ClinVar contains an entry for this variant (Variation ID: 11858). This premature translational stop signal has been observed in individual(s) with Usher syndrome (PMID: 9843659). This variant is not present in population databases (gnomAD no frequency). This sequence change creates a premature translational stop signal (p.Cys628*) in the MYO7A gene. It is expected to result in an absent or disrupted protein product. Loss-of-function variants in MYO7A are known to be pathogenic (PMID: 8900236, 25404053).

Genetics Research Center, University of Social Welfare and Rehabilitation Sciences
Classification: Pathogenic for Autosomal recessive nonsyndromic hearing loss 2. Review status: criteria provided, single submitter. Criteria: ACMG Guidelines, 2015. Collection method: research. Allele origin: germline. Affected: yes.
Comment: The variant is not present in the gnomAD v2.1.1 dataset and has been previously reported in individual(s) affected with MYO7A-related hearing loss (PMID:9843659, 8900236, 25404053, 16470552, 12112664). It introduces a premature termination codon, which is expected to result in an absent or truncated protein product.

OMIM
Classification: Pathogenic for USHER SYNDROME, TYPE IB. Last evaluated: 1998-12-01. Review status: no assertion criteria provided. Collection method: literature only. Allele origin: germline. Not counted in ClinVar's aggregate classification.

Literature cited by the submitters: PubMed 9843659 (cited by 3 submitters); PubMed 8900236 (cited by Labcorp Genetics (formerly Invitae), Labcorp and Genetics Research Center, University of Social Welfare and Rehabilitation Sciences); PubMed 25404053 (cited by Labcorp Genetics (formerly Invitae), Labcorp and Genetics Research Center, University of Social Welfare and Rehabilitation Sciences); PubMed 16470552 (cited by Genetics Research Center, University of Social Welfare and Rehabilitation Sciences); PubMed 12112664 (cited by Genetics Research Center, University of Social Welfare and Rehabilitation Sciences).

NM_000260.4(MYO7A):c.1884C>A (p.Cys628Ter)

Gene: MYO7A (myosin VIIA; plus strand). Cytogenetic location: 11q13.5.
Variant type: single nucleotide variant.
Coding change: c.1884C>A on transcript NM_000260.4 (MANE Select); coding-DNA position 1884, C replaced by A.
Protein change: p.Cys628Ter; replaces cysteine 628 with a stop codon.
Molecular consequence: nonsense.
Genome position (GRCh38, 1-based): chr11:77,172,834, C>A. VCF-style: chr11-77172834-C-A. GRCh37 (hg19) VCF-style: chr11-76883880-C-A.
Other names: c.1884C>A, p.Cys628Ter (NM_001127180.2); c.1851C>A, p.Cys617Ter (NM_001369365.1); short protein forms C628*, C617*.
Identifiers: ClinVar variation 11858 (VCV000011858.7), dbSNP rs121965083, ClinGen allele CA277963.